The following is an entry in ClinVar:

NM_147127.5(EVC2):c.961del (p.Val321fs)

Gene: EVC2 (EvC ciliary complex subunit 2; minus strand). Cytogenetic location: 4p16.2.
Variant type: Deletion.
Coding change: c.961del on transcript NM_147127.5 (MANE Select); coding-DNA position 961, one base deleted (G; older notation c.961delG).
Protein change: p.Val321fs; shifts the reading frame from valine 321.
Molecular consequence: frameshift variant.
Genome position (GRCh38, 1-based): chr4:5,665,559, C deleted on the plus strand (G on the coding strand, the reverse complement: EVC2 is on the minus strand); the first of 2 consecutive C bases (chr4:5,665,559-5,665,560); deleting either gives the same sequence. VCF-style (leftmost placement, unchanged base first): chr4-5665558-AC-A. GRCh37 (hg19) VCF-style: chr4-5667285-AC-A.
Other names: c.721del, p.Val241fs (NM_001166136.2); short protein forms V241fs, V321fs.
Identifiers: ClinVar variation 1725434 (VCV001725434.2), dbSNP rs2475515135, ClinGen allele CA2580070758.

ClinVar aggregate classification (germline): Likely pathogenic (1 of 4 stars; one submission).

Conditions:
Ellis-van Creveld syndrome (EVC). Also called: EVC-Related Ellis-van Creveld Syndrome; EVC2-Related Ellis-van Creveld Syndrome; MESOECTODERMAL DYSPLASIA; Chondroectodermal dysplasia. Identifiers: Orphanet 289, MedGen C0013903, MONDO:0009162, OMIM 225500.

Submission:

Myriad Genetics, Inc.
Classification: Likely pathogenic for Ellis-van Creveld syndrome. Last evaluated: 2022-03-21. Review status: criteria provided, single submitter. Criteria: Myriad Women's Health Autosomal Recessive and X-Linked Classification Criteria (2021). Collection method: clinical testing. Allele origin: unknown.
Comment: NM_147127.4(EVC2):c.961delG(V321Ffs*6) is expected to be pathogenic in the context of EVC2-related Ellis-van Creveld syndrome. This variant is predicted to lead to an abnormal or absent protein product due to the creation of a premature termination codon in EVC2, a gene where loss-of-function variants are known to be pathogenic. Please note: this variant was assessed in the context of healthy population screening.